The following is an entry in ClinVar:

NM_016599.5(MYOZ2):c.376+6C>T

Gene: MYOZ2 (myozenin 2; plus strand). Cytogenetic location: 4q26.
Variant type: single nucleotide variant.
Coding change: c.376+6C>T on transcript NM_016599.5 (MANE Select); 6 bases into the intron after coding-DNA position 376, C replaced by T.
Molecular consequence: intron variant.
Genome position (GRCh38, 1-based): chr4:119,158,157, C>T. VCF-style: chr4-119158157-C-T. GRCh37 (hg19) VCF-style: chr4-120079312-C-T.
Identifiers: ClinVar variation 1411775 (VCV001411775.6), dbSNP rs2149223432, ClinGen allele CA2573137952.

ClinVar aggregate classification (germline): Uncertain significance (1 of 4 stars; one submission).

Conditions:
Hypertrophic cardiomyopathy. Also called: HYPERTROPHIC MYOCARDIOPATHY. Identifiers: Orphanet 217569, MedGen C0007194, MeSH D002312, MONDO:0005045, HP:0001639.

Submission:

Labcorp Genetics (formerly Invitae), Labcorp
Classification: Uncertain significance for Hypertrophic cardiomyopathy. Last evaluated: 2021-06-15. Review status: criteria provided, single submitter. Criteria: Invitae Variant Classification Sherloc (09022015). Collection method: clinical testing. Allele origin: germline.
Comment: This sequence change falls in intron 4 of the MYOZ2 gene. It does not directly change the encoded amino acid sequence of the MYOZ2 protein. It affects a nucleotide within the consensus splice site of the intron. This variant is not present in population databases (ExAC no frequency). This variant has not been reported in the literature in individuals with MYOZ2-related conditions. Nucleotide substitutions within the consensus splice site are a relatively common cause of aberrant splicing (PMID: 17576681, 9536098). Algorithms developed to predict the effect of sequence changes on RNA splicing suggest that this variant is not likely to affect RNA splicing, but this prediction has not been confirmed by published transcriptional studies. In summary, the available evidence is currently insufficient to determine the role of this variant in disease. Therefore, it has been classified as a Variant of Uncertain Significance.

Literature cited by the submitters: PubMed 17576681; PubMed 9536098.